The following is an entry in ClinVar:

NM_002519.3(NPAT):c.4166T>G (p.Leu1389Arg)

Gene: NPAT (nuclear protein, coactivator of histone transcription; minus strand). Cytogenetic location: 11q22.3.
Variant type: single nucleotide variant.
Coding change: c.4166T>G on transcript NM_002519.3 (MANE Select); coding-DNA position 4166, T replaced by G.
Protein change: p.Leu1389Arg; replaces leucine 1389 with arginine.
Molecular consequence: missense variant.
Genome position (GRCh38, 1-based): chr11:108,160,920, A>C on the plus strand (T>G on the coding strand, the complement: NPAT is on the minus strand). VCF-style: chr11-108160920-A-C. GRCh37 (hg19) VCF-style: chr11-108031647-A-C.
Other names: c.4187T>G, p.Leu1396Arg (NM_001321307.1); short protein forms L1389R, L1396R.
Identifiers: ClinVar variation 2453760 (VCV002453760.2), dbSNP rs2496692829, ClinGen allele CA382509227.

ClinVar aggregate classification (germline): Uncertain significance (1 of 4 stars; one submission).

Allele frequency attached by ClinVar (database versions not stated): gnomAD exomes below 0.00001.
gnomAD v4.1: 2 of 1,614,094 alleles (0.00012%); highest among the groups gnomAD compares: Non-Finnish European, 0.00017%; no homozygotes.

Submission:

Ambry Genetics
Classification: Uncertain significance. Last evaluated: 2022-12-25. Review status: criteria provided, single submitter. Criteria: Ambry Variant Classification Scheme 2023. Collection method: clinical testing. Allele origin: germline.
Comment: The p.L1389R variant (also known as c.4166T>G), located in coding exon 17 of the NPAT gene, results from a T to G substitution at nucleotide position 4166. The leucine at codon 1389 is replaced by arginine, an amino acid with dissimilar properties. This amino acid position is conserved. In addition, this alteration is predicted to be tolerated by in silico analysis. Since supporting evidence is limited at this time, the clinical significance of this alteration remains unclear.